The following is an entry in ClinVar:

ClinVar aggregate classification (germline): Uncertain significance (1 of 4 stars; one submission).

gnomAD v4.1: 1 of 1,595,464 alleles (0.000063%); highest among the groups gnomAD compares: Non-Finnish European, 0.000085%; no homozygotes.

Submission:

Labcorp Genetics (formerly Invitae), Labcorp
Classification: Uncertain significance. Last evaluated: 2023-01-30. Review status: criteria provided, single submitter. Criteria: Invitae Variant Classification Sherloc (09022015). Collection method: clinical testing. Allele origin: germline.
Comment: In summary, the available evidence is currently insufficient to determine the role of this variant in disease. Therefore, it has been classified as a Variant of Uncertain Significance. Algorithms developed to predict the effect of missense changes on protein structure and function (SIFT, PolyPhen-2, Align-GVGD) all suggest that this variant is likely to be tolerated. This variant has not been reported in the literature in individuals affected with SORL1-related conditions. This variant is not present in population databases (gnomAD no frequency). This sequence change replaces arginine, which is basic and polar, with leucine, which is neutral and non-polar, at codon 1866 of the SORL1 protein (p.Arg1866Leu).

NM_003105.6(SORL1):c.5597G>T (p.Arg1866Leu)

Gene: SORL1 (sortilin related receptor 1; plus strand). Cytogenetic location: 11q24.1.
Variant type: single nucleotide variant.
Coding change: c.5597G>T on transcript NM_003105.6 (MANE Select); coding-DNA position 5597, G replaced by T.
Protein change: p.Arg1866Leu; replaces arginine 1866 with leucine.
Molecular consequence: missense variant.
Genome position (GRCh38, 1-based): chr11:121,615,048, G>T. VCF-style: chr11-121615048-G-T. GRCh37 (hg19) VCF-style: chr11-121485757-G-T.
Other names: short protein forms R1866L.
Identifiers: ClinVar variation 2829397 (VCV002829397.3), dbSNP rs137995625, ClinGen allele CA383042418.